The following is an entry in ClinVar:

ClinVar aggregate classification (germline): Uncertain significance. Review status: criteria provided, multiple submitters, no conflicts (2 of 4 stars). 2 submissions from 2 submitters: Uncertain significance (2). Last evaluated 2025-10-30.

gnomAD v4.1: 1 of 1,613,802 alleles (0.000062%); highest among the groups gnomAD compares: Admixed American, 0.0017%; no homozygotes.

Submissions (2):

Ambry Genetics
Classification: Uncertain significance. Last evaluated: 2025-10-30. Review status: criteria provided, single submitter. Criteria: Ambry Variant Classification Scheme 2023. Collection method: clinical testing. Allele origin: germline.

Labcorp Genetics (formerly Invitae), Labcorp
Classification: Uncertain significance. Last evaluated: 2023-05-05. Review status: criteria provided, single submitter. Criteria: Invitae Variant Classification Sherloc (09022015). Collection method: clinical testing. Allele origin: germline.
Comment: In summary, the available evidence is currently insufficient to determine the role of this variant in disease. Therefore, it has been classified as a Variant of Uncertain Significance. An algorithm developed to predict the effect of missense changes on protein structure and function (PolyPhen-2) suggests that this variant is likely to be disruptive. This variant has not been reported in the literature in individuals affected with MICAL1-related conditions. This variant is not present in population databases (gnomAD no frequency). This sequence change replaces arginine, which is basic and polar, with glycine, which is neutral and non-polar, at codon 140 of the MICAL1 protein (p.Arg140Gly).

NM_022765.4(MICAL1):c.361C>G (p.Arg121Gly)

Gene: MICAL1 (microtubule associated monooxygenase, calponin and LIM domain containing 1; minus strand). Cytogenetic location: 6q21.
Variant type: single nucleotide variant.
Coding change: c.361C>G on transcript NM_022765.4 (MANE Select); coding-DNA position 361, C replaced by G.
Protein change: p.Arg121Gly; replaces arginine 121 with glycine.
Molecular consequence: missense variant.
Genome position (GRCh38, 1-based): chr6:109,453,743, G>C on the plus strand (C>G on the coding strand, the complement: MICAL1 is on the minus strand). VCF-style: chr6-109453743-G-C. GRCh37 (hg19) VCF-style: chr6-109774946-G-C.
Other names: c.361C>G (NM_022765.3); c.361C>G, p.Arg121Gly (NM_001159291.2); c.418C>G, p.Arg140Gly (NM_001286613.2); short protein forms R121G, R140G.
Identifiers: ClinVar variation 3018319 (VCV003018319.4), dbSNP rs540868259, ClinGen allele CA365233465.